The following is an entry in ClinVar:

ClinVar aggregate classification (germline): Conflicting classifications of pathogenicity. Review status: criteria provided, conflicting classifications (1 of 4 stars). 12 submissions from 9 submitters: Uncertain significance (5); Benign (2); Likely benign (5). Last evaluated 2026-05-15.

Conditions:
NF1-related disorder. Also called: NF1-related condition. Identifiers: MedGen CN379171.
Hereditary cancer-predisposing syndrome. Also called: Tumor predisposition; Neoplastic Syndromes, Hereditary; Hereditary Cancer Syndrome; Hereditary neoplastic syndrome. Identifiers: Orphanet 140162, MedGen C0027672, MeSH D009386, MONDO:0015356.
Neurofibromatosis, familial spinal (FSNF). Identifiers: Orphanet 636, MedGen C1834235, MONDO:0008078, OMIM 162210. Disease mechanism: loss of function.
Café-au-lait macules with pulmonary stenosis (WTSN). Also called: PULMONIC STENOSIS WITH CAFE-AU-LAIT SPOTS. Identifiers: MedGen C0553586, MONDO:0008672, OMIM 193520.
Neurofibromatosis-Noonan syndrome (NFNS). Also called: NEUROFIBROMATOSIS WITH NOONAN PHENOTYPE. Identifiers: Orphanet 638, MedGen C2931482, MONDO:0011035, OMIM 601321. Disease mechanism: loss of function.
Neurofibromatosis, type 1 (NF1). Also called: Peripheral type neurofibromatosis; Neurofibromatosis, type I; NEUROFIBROMATOSIS, TYPE I, SOMATIC; VON RECKLINGHAUSEN DISEASE. Identifiers: Orphanet 636, MedGen C0027831, MONDO:0018975, OMIM 162200. Disease mechanism: loss of function.

Allele frequency attached by ClinVar (database versions not stated): gnomAD 0.00003; TOPMed 0.00003; gnomAD exomes 0.00004 and 0.00005; ExAC 0.00006.
gnomAD v4.1: 64 of 1,613,786 alleles (0.004%); highest among the groups gnomAD compares: East Asian, 0.0089%; no homozygotes.

Submissions (12):

Myriad Genetics, Inc.
Classification: Benign for Neurofibromatosis, type 1. Last evaluated: 2026-05-15. Review status: criteria provided, single submitter. Criteria: Myriad Autosomal Dominant, Autosomal Recessive and X-Linked Classification Criteria (2023). Collection method: clinical testing. Allele origin: unknown.
Comment: This variant is considered benign. This variant is a silent/synonymous amino acid change and it is not expected to impact splicing.

Labcorp Genetics (formerly Invitae), Labcorp
Classification: Likely benign for Neurofibromatosis, type 1. Last evaluated: 2026-01-11. Review status: criteria provided, single submitter. Criteria: Invitae Variant Classification Sherloc (09022015). Collection method: clinical testing. Allele origin: germline.

CeGaT Center for Human Genetics Tuebingen
Classification: Likely benign. Last evaluated: 2025-07-01. Review status: criteria provided, single submitter. Criteria: CeGaT Center For Human Genetics Tuebingen Variant Classification Criteria Version 2. Collection method: clinical testing. Allele origin: germline. Affected: yes. Observed: 2 variant alleles.
Comment: NF1: BP4, BP7

PreventionGenetics, part of Exact Sciences
Classification: Likely benign for NF1-related condition. Last evaluated: 2024-11-18. Review status: criteria provided, single submitter. Criteria: ACMG Guidelines, 2015. Collection method: clinical testing. Allele origin: germline.
Comment: This variant is classified as likely benign based on ACMG/AMP sequence variant interpretation guidelines (Richards et al. 2015 PMID: 25741868, with internal and published modifications).

Blueprint Genetics
Classification: Benign. Last evaluated: 2024-10-21. Review status: criteria provided, single submitter. Criteria: ACMG Guidelines, 2015. Collection method: clinical testing. Allele origin: germline.

Sema4
Classification: Uncertain significance for Hereditary cancer-predisposing syndrome. Last evaluated: 2021-08-23. Review status: criteria provided, single submitter. Criteria: Sema4 Curation Guidelines. Collection method: curation. Allele origin: germline.
Comment: The NF1 c.1308G>A (p.S436=) variant has not been reported in the literature to our knowledge. It was observed in 6/19954 chromosomes of the East Asian subpopulation in the large and broad cohorts of the Genome Aggregation Database (PMID: 32461654). The variant has been reported in ClinVar (Variation ID: 185065). In silico tools suggest that the variant may create or strengthen a cryptic splice site, though these predictions have not been confirmed by functional studies. The evidence is insufficient to meet ACMG/AMP criteria for classifying the variant as benign or pathogenic. Thus, the clinical significance of this variant is currently uncertain.

Illumina Laboratory Services, Illumina
Classification: Likely benign for Neurofibromatosis-Noonan syndrome. Last evaluated: 2018-01-12. Review status: criteria provided, single submitter. Criteria: ICSL Variant Classification Criteria 13 December 2019. Collection method: clinical testing. Allele origin: germline.
Comment: This variant was observed in the ICSL laboratory as part of a predisposition screen in an ostensibly healthy population. It had not been previously curated by ICSL or reported in the Human Gene Mutation Database (HGMD: prior to June 1st, 2018), and was therefore a candidate for classification through an automated scoring system. Utilizing variant allele frequency, disease prevalence and penetrance estimates, and inheritance mode, an automated score was calculated to assess if this variant is too frequent to cause the disease. Based on the score and internal cut-off values, a variant classified as likely benign is not then subjected to further curation. The score for this variant resulted in a classification of likely benign for this disease.

Illumina Laboratory Services, Illumina
Classification: Uncertain significance for Neurofibromatosis, familial spinal. Last evaluated: 2018-01-12. Review status: criteria provided, single submitter. Criteria: ICSL Variant Classification Criteria 13 December 2019. Collection method: clinical testing. Allele origin: germline.

Illumina Laboratory Services, Illumina
Classification: Uncertain significance for Café-au-lait macules with pulmonary stenosis. Last evaluated: 2018-01-12. Review status: criteria provided, single submitter. Criteria: ICSL Variant Classification Criteria 13 December 2019. Collection method: clinical testing. Allele origin: germline.

Illumina Laboratory Services, Illumina
Classification: Uncertain significance for Neurofibromatosis, type 1. Last evaluated: 2018-01-12. Review status: criteria provided, single submitter. Criteria: ICSL Variant Classification Criteria 13 December 2019. Collection method: clinical testing. Allele origin: germline.

GeneDx
Classification: Uncertain significance. Last evaluated: 2017-10-17. Review status: criteria provided, single submitter. Criteria: GeneDx Variant Classification (06012015). Collection method: clinical testing. Allele origin: germline. Affected: yes.
Comment: This variant is denoted NF1 c.1308G>A at the DNA level. Although this variant is silent at the coding level, preserving a Serine at codon 436, it is predicted to cause abnormal splicing. However, in the absence of RNA or functional studies, the actual effect of this variant is unknown. This variant has not, to our knowledge, been published in the literature as being pathogenic or benign. NF1 c.1308G>A was not observed in large population cohorts (Lek 2016).The nucleotide which is altered, a guanine (G) at base 1308, is not conserved. Based on currently available information, it is unclear whether NF1 c.1308G>A is a pathogenic or benign variant. We consider it to be a variant of uncertain significance.

Ambry Genetics
Classification: Likely benign for Hereditary cancer-predisposing syndrome. Last evaluated: 2014-09-25. Review status: criteria provided, single submitter. Criteria: Ambry Autosomal Dominant and X-Linked criteria (10/2015). Collection method: clinical testing. Allele origin: germline. Observed: 1 variant allele.

NM_001042492.3(NF1):c.1308G>A (p.Ser436=)

Gene: NF1 (neurofibromin 1; plus strand). Cytogenetic location: 17q11.2.
Variant type: single nucleotide variant.
Coding change: c.1308G>A on transcript NM_001042492.3 (MANE Select); coding-DNA position 1308, G replaced by A.
Protein change: p.Ser436=; no amino-acid change (serine 436 retained).
Molecular consequence: synonymous variant.
Genome position (GRCh38, 1-based): chr17:31,206,287, G>A. VCF-style: chr17-31206287-G-A. GRCh37 (hg19) VCF-style: chr17-29533305-G-A.
Other names: c.1308G>A, p.Ser436= (NM_000267.4, NM_001128147.3).
Identifiers: ClinVar variation 185065 (VCV000185065.54), dbSNP rs765425127, ClinGen allele CA190911.